The following is an entry in ClinVar:

ClinVar aggregate classification (germline): Uncertain significance (1 of 4 stars; one submission).

Conditions:
Megalencephaly-polymicrogyria-polydactyly-hydrocephalus syndrome 2 (MPPH2). Also called: MEGALENCEPHALY-POLYMICROGYRIA-POLYDACTYLY-HYDROCEPHALUS SYNDROME 2, SOMATIC. Identifiers: Orphanet 83473, MedGen C4014738, MONDO:0014407, OMIM 615937.

Submission:

Labcorp Genetics (formerly Invitae), Labcorp
Classification: Uncertain significance for Megalencephaly-polymicrogyria-polydactyly-hydrocephalus syndrome 2. Last evaluated: 2023-05-23. Review status: criteria provided, single submitter. Criteria: Invitae Variant Classification Sherloc (09022015). Collection method: clinical testing. Allele origin: germline.
Comment: In summary, the available evidence is currently insufficient to determine the role of this variant in disease. Therefore, it has been classified as a Variant of Uncertain Significance. Variants that disrupt the consensus splice site are a relatively common cause of aberrant splicing (PMID: 17576681, 9536098). Algorithms developed to predict the effect of sequence changes on RNA splicing suggest that this variant is not likely to affect RNA splicing. ClinVar contains an entry for this variant (Variation ID: 1474549). This variant has not been reported in the literature in individuals affected with AKT3-related conditions. This variant is not present in population databases (gnomAD no frequency). This sequence change falls in intron 11 of the AKT3 gene. It does not directly change the encoded amino acid sequence of the AKT3 protein. It affects a nucleotide within the consensus splice site.

Literature cited by the submitters: PubMed 17576681; PubMed 9536098.

NM_005465.7(AKT3):c.1251+5G>T

Gene: AKT3 (AKT serine/threonine kinase 3; minus strand). Cytogenetic location: 1q44.
Variant type: single nucleotide variant.
Coding change: c.1251+5G>T on transcript NM_005465.7 (MANE Select); 5 bases into the intron after coding-DNA position 1251, G replaced by T.
Molecular consequence: intron variant.
Genome position (GRCh38, 1-based): chr1:243,545,505, C>A on the plus strand (G>T on the coding strand, the complement: AKT3 is on the minus strand). VCF-style: chr1-243545505-C-A. GRCh37 (hg19) VCF-style: chr1-243708807-C-A.
Other names: c.1251+5G>T (NM_181690.2, NM_001370074.1, NM_001206729.2).
Identifiers: ClinVar variation 1474549 (VCV001474549.6), dbSNP rs780490457, ClinGen allele CA2573132948.